The following is an entry in ClinVar:

ClinVar aggregate classification (germline): Likely benign. Review status: criteria provided, multiple submitters, no conflicts (2 of 4 stars). 3 submissions from 3 submitters: Likely benign (3). Last evaluated 2025-12-30.

Conditions:
Cardiovascular phenotype. Identifiers: MedGen CN230736.

Allele frequency attached by ClinVar (database versions not stated): gnomAD 0.00001; gnomAD exomes 0.00001; TOPMed 0.00002.
gnomAD v4.1: 7 of 1,550,258 alleles (0.00045%); highest among the groups gnomAD compares: Admixed American, 0.002%; no homozygotes.

Submissions (3):

Labcorp Genetics (formerly Invitae), Labcorp
Classification: Likely benign. Last evaluated: 2025-12-30. Review status: criteria provided, single submitter. Criteria: Invitae Variant Classification Sherloc (09022015). Collection method: clinical testing. Allele origin: germline.

Ambry Genetics
Classification: Likely benign for Cardiovascular phenotype. Last evaluated: 2020-11-15. Review status: criteria provided, single submitter. Criteria: Ambry Variant Classification Scheme 2023. Collection method: clinical testing. Allele origin: germline.

GeneDx
Classification: Likely benign. Last evaluated: 2017-04-12. Review status: criteria provided, single submitter. Criteria: GeneDx Variant Classification (06012015). Collection method: clinical testing. Allele origin: germline. Affected: yes.
Comment: This variant is considered likely benign or benign based on one or more of the following criteria: it is a conservative change, it occurs at a poorly conserved position in the protein, it is predicted to be benign by multiple in silico algorithms, and/or has population frequency not consistent with disease.

NM_001367624.2(ZNF469):c.6090C>T (p.Thr2030=)

Gene: ZNF469 (zinc finger protein 469; plus strand). Cytogenetic location: 16q24.2.
Variant type: single nucleotide variant.
Coding change: c.6090C>T on transcript NM_001367624.2 (MANE Select); coding-DNA position 6090, C replaced by T.
Protein change: p.Thr2030=; no amino-acid change (threonine 2030 retained).
Molecular consequence: synonymous variant.
Genome position (GRCh38, 1-based): chr16:88,433,560, C>T. VCF-style: chr16-88433560-C-T. GRCh37 (hg19) VCF-style: chr16-88499968-C-T.
Other names: NM_001127464.1:c.6006C>T.
Identifiers: ClinVar variation 508855 (VCV000508855.6), dbSNP rs754253956, ClinGen allele CA497356353.
Genomic context (GRCh38, chr16:88,433,560, plus strand): 5'-GGGCACGGACAACCACGCCTCAGTCAATGCCAGTCCCAAAACAGCGCTGACCGGCCCCAC[C>T]GAGGGTGCAGTCCTGCTAGAGAAATGCAAGGGAAGCAGGGCAGCCATGAGCCTTCAGGAG-3'
Protein context (NP_001354553.1, residues 2020-2040): ASPKTALTGP[Thr2030=]EGAVLLEKCK